The following is an entry in ClinVar:

NM_001256470.2(PLEKHA5):c.2218-9A>G

Gene: PLEKHA5 (pleckstrin homology domain containing A5; plus strand). Cytogenetic location: 12p12.3.
Variant type: single nucleotide variant.
Coding change: c.2218-9A>G on transcript NM_001256470.2 (MANE Select); 9 bases into the intron before coding-DNA position 2218, A replaced by G.
Molecular consequence: intron variant.
Genome position (GRCh38, 1-based): chr12:19,322,301, A>G. VCF-style: chr12-19322301-A-G. GRCh37 (hg19) VCF-style: chr12-19475235-A-G.
Other names: c.2218-9A>G (NM_001385926.1, NM_001385929.1); c.2217+1677A>G (NM_001385937.1); c.2182-9A>G (NM_001385924.1, NM_001385931.1); c.2044-9A>G (NM_001385934.1); c.2098-9A>G (NM_001385927.1); c.2200-9A>G (NM_001385923.1, NM_001385930.1, NM_001385928.1); c.2164-9A>G (NM_001385925.1); c.2083-9A>G (NM_001385968.1, NM_001143821.3); and 16 more.
Identifiers: ClinVar variation 3054097 (VCV003054097.2), dbSNP rs371732078, ClinGen allele CA6472527.

ClinVar aggregate classification (germline): Likely benign (0 of 4 stars; one submission).

Conditions:
PLEKHA5-related disorder. Also called: PLEKHA5-related condition.

Allele frequency attached by ClinVar (database versions not stated): gnomAD exomes 0.00001; ExAC 0.00002; TOPMed 0.00002; gnomAD 0.00004; ESP Exome Variant Server 0.00015.
gnomAD v4.1: 20 of 1,602,730 alleles (0.0012%); highest among the groups gnomAD compares: Admixed American, 0.0067%; no homozygotes.

Submission:

PreventionGenetics, part of Exact Sciences
Classification: Likely benign for PLEKHA5-related condition. Last evaluated: 2022-08-16. Review status: no assertion criteria provided. Collection method: clinical testing. Allele origin: germline.
Comment: This variant is classified as likely benign based on ACMG/AMP sequence variant interpretation guidelines (Richards et al. 2015 PMID: 25741868, with internal and published modifications).